The following is an entry in ClinVar:

NM_015311.3(OBSL1):c.703G>A (p.Ala235Thr)

Gene: OBSL1 (obscurin like cytoskeletal adaptor 1; minus strand). Cytogenetic location: 2q35.
Variant type: single nucleotide variant.
Coding change: c.703G>A on transcript NM_015311.3 (MANE Select); coding-DNA position 703, G replaced by A.
Protein change: p.Ala235Thr; replaces alanine 235 with threonine.
Molecular consequence: missense variant.
Genome position (GRCh38, 1-based): chr2:219,570,530, C>T on the plus strand (G>A on the coding strand, the complement: OBSL1 is on the minus strand). VCF-style: chr2-219570530-C-T. GRCh37 (hg19) VCF-style: chr2-220435252-C-T.
Other names: c.703G>A, p.Ala235Thr (NM_001173408.2, NM_001173431.2); c.703G>A (NM_015311.2); short protein forms A235T.
Identifiers: ClinVar variation 1426360 (VCV001426360.7), dbSNP rs201238889, ClinGen allele CA2131758.

ClinVar aggregate classification (germline): Uncertain significance. Review status: criteria provided, multiple submitters, no conflicts (2 of 4 stars). 2 submissions from 2 submitters: Uncertain significance (2). Last evaluated 2025-05-25.

Conditions:
Inborn genetic diseases. Identifiers: MedGen C0950123, MeSH D030342.

Allele frequency attached by ClinVar (database versions not stated): gnomAD exomes 0.00009 and 0.00005; gnomAD 0.00001 and 0.00002; TOPMed 0.00002; 1000 Genomes Project 30x 0.00016; 1000 Genomes Project 0.00020; ExAC 0.00007.
gnomAD v4.1: 134 of 1,608,876 alleles (0.0083%); highest among the groups gnomAD compares: East Asian, 0.29%; no homozygotes.

Submissions (2):

Ambry Genetics
Classification: Uncertain significance for Inborn genetic diseases. Last evaluated: 2025-05-25. Review status: criteria provided, single submitter. Criteria: Ambry Variant Classification Scheme 2023. Collection method: clinical testing. Allele origin: germline.

Labcorp Genetics (formerly Invitae), Labcorp
Classification: Uncertain significance. Last evaluated: 2021-08-25. Review status: criteria provided, single submitter. Criteria: Invitae Variant Classification Sherloc (09022015). Collection method: clinical testing. Allele origin: germline.
Comment: In summary, the available evidence is currently insufficient to determine the role of this variant in disease. Therefore, it has been classified as a Variant of Uncertain Significance. Algorithms developed to predict the effect of missense changes on protein structure and function (SIFT, PolyPhen-2, Align-GVGD) all suggest that this variant is likely to be tolerated. This variant has not been reported in the literature in individuals affected with OBSL1-related conditions. This variant is present in population databases (rs201238889, ExAC 0.09%). This sequence change replaces alanine with threonine at codon 235 of the OBSL1 protein (p.Ala235Thr). The alanine residue is weakly conserved and there is a small physicochemical difference between alanine and threonine.